The following is an entry in ClinVar:

ClinVar aggregate classification (germline): Uncertain significance. Review status: criteria provided, multiple submitters, no conflicts (2 of 4 stars). 2 submissions from 2 submitters: Uncertain significance (2). Last evaluated 2021-08-20.

Conditions:
Pontocerebellar hypoplasia type 1A (PCH1A). Also called: PONTOCEREBELLAR HYPOPLASIA WITH ANTERIOR HORN CELL DISEASE; PONTOCEREBELLAR HYPOPLASIA WITH INFANTILE SPINAL MUSCULAR ATROPHY. Identifiers: Orphanet 2254, Orphanet 88616, MedGen C1843504, MONDO:0011866, OMIM 607596.

Allele frequency attached by ClinVar (database versions not stated): gnomAD 0.00003 and 0.00005; TOPMed 0.00003; ESP Exome Variant Server 0.00008; 1000 Genomes Project 30x 0.00016; 1000 Genomes Project 0.00020.
gnomAD v4.1: 109 of 1,613,490 alleles (0.0068%); highest among the groups gnomAD compares: South Asian, 0.029%; 1 homozygote.

Submissions (2):

Labcorp Genetics (formerly Invitae), Labcorp
Classification: Uncertain significance for Pontocerebellar hypoplasia type 1A. Last evaluated: 2021-08-20. Review status: criteria provided, single submitter. Criteria: Invitae Variant Classification Sherloc (09022015). Collection method: clinical testing. Allele origin: germline.
Comment: This sequence change replaces threonine with methionine at codon 373 of the VRK1 protein (p.Thr373Met). The threonine residue is weakly conserved and there is a moderate physicochemical difference between threonine and methionine. This variant is present in population databases (rs369917766, ExAC 0.02%). This variant has not been reported in the literature in individuals affected with VRK1-related conditions. Algorithms developed to predict the effect of missense changes on protein structure and function output the following: SIFT: "Tolerated"; PolyPhen-2: "Benign"; Align-GVGD: "Class C0". The methionine amino acid residue is found in multiple mammalian species, which suggests that this missense change does not adversely affect protein function. In summary, the available evidence is currently insufficient to determine the role of this variant in disease. Therefore, it has been classified as a Variant of Uncertain Significance.

Illumina Laboratory Services, Illumina
Classification: Uncertain significance for Pontocerebellar hypoplasia type 1A. Last evaluated: 2018-01-12. Review status: criteria provided, single submitter. Criteria: ICSL Variant Classification Criteria 13 December 2019. Collection method: clinical testing. Allele origin: germline.

NM_003384.3(VRK1):c.1118C>T (p.Thr373Met)

Gene: VRK1 (VRK serine/threonine kinase 1; plus strand). Cytogenetic location: 14q32.2.
Variant type: single nucleotide variant.
Coding change: c.1118C>T on transcript NM_003384.3 (MANE Select); coding-DNA position 1118, C replaced by T.
Protein change: p.Thr373Met; replaces threonine 373 with methionine.
Molecular consequence: missense variant.
Genome position (GRCh38, 1-based): chr14:96,876,079, C>T. VCF-style: chr14-96876079-C-T. GRCh37 (hg19) VCF-style: chr14-97342416-C-T.
Other names: short protein forms T373M.
Identifiers: ClinVar variation 886126 (VCV000886126.7), dbSNP rs369917766, ClinGen allele CA7339190.